The following is an entry in ClinVar:

NM_003002.4(SDHD):c.147A>G (p.Ile49Met)

Gene: SDHD (succinate dehydrogenase complex subunit D; plus strand). Cytogenetic location: 11q23.1.
Variant type: single nucleotide variant.
Coding change: c.147A>G on transcript NM_003002.4 (MANE Select); coding-DNA position 147, A replaced by G.
Protein change: p.Ile49Met; replaces isoleucine 49 with methionine.
Molecular consequence: missense variant. On other transcripts: non-coding transcript variant (1), intron variant (1).
Genome position (GRCh38, 1-based): chr11:112,087,951, A>G. VCF-style: chr11-112087951-A-G. GRCh37 (hg19) VCF-style: chr11-111958675-A-G.
Other names: c.147A>G, p.Ile49Met (NM_001276503.2, NM_001276506.2); c.53-916A>G (NM_001276504.2); short protein forms I49M.
Identifiers: ClinVar variation 582555 (VCV000582555.6), dbSNP rs1566692534, ClinGen allele CA382617087.

ClinVar aggregate classification (germline): Uncertain significance (1 of 4 stars; one submission).

Conditions:
Paragangliomas with sensorineural hearing loss. Identifiers: MedGen C1868633.
Cowden syndrome 3 (CWS3). Identifiers: Orphanet 201, MedGen CN166604, MONDO:0014045.
Carney-Stratakis syndrome. Also called: PARAGANGLIOMA AND GASTROINTESTINAL STROMAL TUMOR. Identifiers: Orphanet 97286, MedGen C1847319, MONDO:0011740, OMIM 606864.
Pheochromocytoma. Also called: MAX-Related Hereditary Paraganglioma-Pheochromocytoma Syndrome. Identifiers: Orphanet 29072, MedGen C0031511, MONDO:0008233, OMIM 171300, HP:0002666.

Allele frequency attached by ClinVar (database versions not stated): gnomAD exomes below 0.00001.
gnomAD v4.1: 2 of 1,609,932 alleles (0.00012%); highest among the groups gnomAD compares: South Asian, 0.0022%; no homozygotes.

Submission:

Labcorp Genetics (formerly Invitae), Labcorp
Classification: Uncertain significance for Carney-Stratakis syndrome; Paragangliomas with sensorineural hearing loss; Pheochromocytoma; Cowden syndrome 3. Last evaluated: 2022-03-08. Review status: criteria provided, single submitter. Criteria: Invitae Variant Classification Sherloc (09022015). Collection method: clinical testing. Allele origin: germline.
Comment: In summary, the available evidence is currently insufficient to determine the role of this variant in disease. Therefore, it has been classified as a Variant of Uncertain Significance. Advanced modeling of protein sequence and biophysical properties (such as structural, functional, and spatial information, amino acid conservation, physicochemical variation, residue mobility, and thermodynamic stability) performed at Invitae indicates that this missense variant is not expected to disrupt SDHD protein function. ClinVar contains an entry for this variant (Variation ID: 582555). This variant has not been reported in the literature in individuals affected with SDHD-related conditions. This variant is not present in population databases (gnomAD no frequency). This sequence change replaces isoleucine, which is neutral and non-polar, with methionine, which is neutral and non-polar, at codon 49 of the SDHD protein (p.Ile49Met).